The following is an entry in ClinVar:

NM_002206.3(ITGA7):c.955G>A (p.Gly319Ser)

Gene: ITGA7 (integrin subunit alpha 7; minus strand). Cytogenetic location: 12q13.2.
Variant type: single nucleotide variant.
Coding change: c.955G>A on transcript NM_002206.3 (MANE Select); coding-DNA position 955, G replaced by A.
Protein change: p.Gly319Ser; replaces glycine 319 with serine.
Molecular consequence: missense variant. On other transcripts: 5 prime UTR variant (1).
Genome position (GRCh38, 1-based): chr12:55,698,753, C>T on the plus strand (G>A on the coding strand, the complement: ITGA7 is on the minus strand). VCF-style: chr12-55698753-C-T. GRCh37 (hg19) VCF-style: chr12-56092537-C-T.
Other names: c.967G>A, p.Gly323Ser (NM_001144996.2, NM_001414029.1, NM_001414030.1); c.676G>A, p.Gly226Ser (NM_001144997.2); c.628G>A, p.Gly210Ser (NM_001367993.1); c.-338G>A (NM_001367994.1); c.955G>A, p.Gly319Ser (NM_001374465.1, NM_001414031.1, NM_001414034.1); c.1087G>A, p.Gly363Ser (NM_001410977.1); c.835G>A, p.Gly279Ser (NM_001414032.1); c.772G>A, p.Gly258Ser (NM_001414033.1); and 1 more; short protein forms G319S, G226S, G210S, G323S, G363S, G206S, G258S, G279S.
Identifiers: ClinVar variation 582907 (VCV000582907.11), dbSNP rs200793865, ClinGen allele CA6616100.
Genomic context (GRCh38, chr12:55,698,753, plus strand): 5'-GCCCTCTACCCACTCACCCATCACTGTTGAGGTCAGCCACAGCCAGTGAGTAGCCAAAGC[C>T]GGAGGTCAGGCGCTCCCCAGACAGCATAACCTCGGGCACCAGGCGACTGGCGCTGTCCTT-3'
Protein context (NP_002197.2, residues 309-329): VMLSGERLTS[Gly319Ser]FGYSLAVADL

ClinVar aggregate classification (germline): Uncertain significance. Review status: criteria provided, multiple submitters, no conflicts (2 of 4 stars). 2 submissions from 2 submitters: Uncertain significance (2). Last evaluated 2025-08-08.

Conditions:
Congenital muscular dystrophy due to integrin alpha-7 deficiency. Also called: Congenital muscular dystrophy with integrin alpha-7 deficiency; Muscular dystrophy, congenital, due to ITGA7 deficiency; MYOPATHY, CONGENITAL, DUE TO INTEGRIN ALPHA-7 DEFICIENCY. Identifiers: Orphanet 34520, MedGen C2750786, MONDO:0013177, OMIM 613204.

Allele frequency attached by ClinVar (database versions not stated): TOPMed 0.00004; gnomAD 0.00005 and 0.00008; gnomAD exomes 0.00008 and 0.00016; ExAC 0.00014; 1000 Genomes Project 0.00060; 1000 Genomes Project 30x 0.00062.
gnomAD v4.1: 125 of 1,614,150 alleles (0.0077%); highest among the groups gnomAD compares: Middle Eastern, 0.082%; 4 homozygotes.

Submissions (2):

Ambry Genetics
Classification: Uncertain significance. Last evaluated: 2025-08-08. Review status: criteria provided, single submitter. Criteria: Ambry Variant Classification Scheme 2023. Collection method: clinical testing. Allele origin: germline.

Labcorp Genetics (formerly Invitae), Labcorp
Classification: Uncertain significance for Congenital muscular dystrophy due to integrin alpha-7 deficiency. Last evaluated: 2023-12-22. Review status: criteria provided, single submitter. Criteria: Invitae Variant Classification Sherloc (09022015). Collection method: clinical testing. Allele origin: germline.
Comment: This sequence change replaces glycine, which is neutral and non-polar, with serine, which is neutral and polar, at codon 319 of the ITGA7 protein (p.Gly319Ser). This variant is present in population databases (rs200793865, gnomAD 0.08%). This variant has not been reported in the literature in individuals affected with ITGA7-related conditions. ClinVar contains an entry for this variant (Variation ID: 582907). Advanced modeling of protein sequence and biophysical properties (such as structural, functional, and spatial information, amino acid conservation, physicochemical variation, residue mobility, and thermodynamic stability) performed at Invitae indicates that this missense variant is not expected to disrupt ITGA7 protein function with a negative predictive value of 80%. In summary, the available evidence is currently insufficient to determine the role of this variant in disease. Therefore, it has been classified as a Variant of Uncertain Significance.